The following is an entry in ClinVar:

ClinVar aggregate classification (germline): Likely benign (1 of 4 stars; one submission).

gnomAD v4.1: 1 of 1,613,494 alleles (0.000062%); highest among the groups gnomAD compares: African/African-American, 0.0013%; no homozygotes.

Submission:

CeGaT Center for Human Genetics Tuebingen
Classification: Likely benign. Last evaluated: 2025-11-01. Review status: criteria provided, single submitter. Criteria: CeGaT Center For Human Genetics Tuebingen Variant Classification Criteria Version 2. Collection method: clinical testing. Allele origin: germline. Affected: yes. Observed: 1 variant allele.
Comment: SPAST: BP4, BP7

NM_014946.4(SPAST):c.189G>A (p.Leu63=)

Gene: SPAST (spastin; plus strand). Cytogenetic location: 2p22.3.
Variant type: single nucleotide variant.
Coding change: c.189G>A on transcript NM_014946.4 (MANE Select); coding-DNA position 189, G replaced by A.
Protein change: p.Leu63=; no amino-acid change (leucine 63 retained).
Molecular consequence: synonymous variant.
Genome position (GRCh38, 1-based): chr2:32,064,020, G>A. VCF-style: chr2-32064020-G-A. GRCh37 (hg19) VCF-style: chr2-32289089-G-A.
Other names: c.189G>A, p.Leu63= (NM_001363823.2, NM_001363875.2, NM_001377959.1 and 1 more transcripts).
Identifiers: ClinVar variation 4535375 (VCV004535375.6).
Genomic context (GRCh38, chr2:32,064,020, plus strand): 5'-GTCGCCGCATAAGCGGAACCTGTACTATTTCTCCTACCCGCTGTTTGTAGGCTTCGCGCT[G>A]CTGCGTTTGGTCGCCTTCCACCTGGGGCTCCTCTTCGTGTGGCTCTGCCAGCGCTTCTCC-3'
Protein context (NP_055761.2, residues 53-73): FSYPLFVGFA[Leu63=]LRLVAFHLGL